The following is an entry in ClinVar:

ClinVar aggregate classification (germline): Pathogenic (1 of 4 stars; one submission).

Conditions:
Osteogenesis imperfecta with normal sclerae, dominant form (OI4). Also called: OSTEOGENESIS IMPERFECTA WITH NORMAL SCLERAE; Osteogenesis imperfecta type 4; Osteogenesis Imperfecta Type IV; OSTEOGENESIS IMPERFECTA, TYPE IV, WITH DENTINOGENESIS IMPERFECTA; Common Variable Osteogenesis Imperfecta with Normal Sclerae. Identifiers: Orphanet 216820, Orphanet 666, MedGen C0268363, MONDO:0008148, OMIM 166220.

Submission:

Victorian Clinical Genetics Services, Murdoch Childrens Research Institute
Classification: Pathogenic for Osteogenesis imperfecta with normal sclerae, dominant form. Last evaluated: 2020-05-21. Review status: criteria provided, single submitter. Criteria: ACMG Guidelines, 2015. Collection method: clinical testing. Allele origin: germline. Affected: yes.
Comment: A heterozygous missense variant was identified, NM_000089.3(COL1A2):c.3277G>A in exon 49 of the COL1A2 gene. This substitution is predicted to create a minor amino acid change from a glycine to a serine at position 1093 of the protein; NP_000080.2(COL1A2):p.Gly1093Ser. The glycine at this position has very high conservation (100 vertebrates, UCSC), and is located within the collagen functional domain (PDB, Decipher). In silico software predicts this variant to be damaging (PolyPhen2, PROVEAN, MutationAssessor, FATHMM). The variant is not present in the gnomAD population database. This variant has been previously reported as pathogenic in patients with type IV osteogenesis imperfecta (Bardai, G. et al. (2016)). Two different variants in the same codon resulting in changes to alanine and aspartic acid have been shown to cause type III osteogenesis imperfecta (Bardai, G. et al. (2016); Rauch, F. et al. (2014); Trancozo, M. et al. (2019)). Based on information available at the time of curation, this variant has been classified as PATHOGENIC.

Literature cited by the submitters: PubMed 25086671; PubMed 27509835; PubMed 31429852.

NM_000089.4(COL1A2):c.3277G>A (p.Gly1093Ser)

Gene: COL1A2 (collagen type I alpha 2 chain; plus strand). Cytogenetic location: 7q21.3.
Variant type: single nucleotide variant.
Coding change: c.3277G>A on transcript NM_000089.4 (MANE Select); coding-DNA position 3277, G replaced by A.
Protein change: p.Gly1093Ser; replaces glycine 1093 with serine.
Molecular consequence: missense variant.
Genome position (GRCh38, 1-based): chr7:94,427,636, G>A. VCF-style: chr7-94427636-G-A. GRCh37 (hg19) VCF-style: chr7-94056948-G-A.
Other names: short protein forms G1093S.
Identifiers: ClinVar variation 3377382 (VCV003377382.1).